The following is an entry in ClinVar:

ClinVar aggregate classification (germline): Likely benign. Review status: criteria provided, single submitter (1 of 4 stars). 2 submissions from 2 submitters: Likely benign (1). 1 of the submissions does not count toward it. Last evaluated 2023-03-21.

Conditions:
PKHD1-related disorder. Also called: PKHD1-related condition.
Autosomal recessive polycystic kidney disease (ARPKD). Also called: AR polycystic kidney disease. Identifiers: Orphanet 731, Orphanet 8378, MedGen C0085548, MeSH D017044, MONDO:0009889.

Allele frequency attached by ClinVar (database versions not stated): gnomAD exomes below 0.00001.
gnomAD v4.1: 1 of 1,613,456 alleles (0.000062%); highest among the groups gnomAD compares: Admixed American, 0.0017%; no homozygotes.

Submissions (2):

Labcorp Genetics (formerly Invitae), Labcorp
Classification: Likely benign for Autosomal recessive polycystic kidney disease. Last evaluated: 2023-03-21. Review status: criteria provided, single submitter. Criteria: Invitae Variant Classification Sherloc (09022015). Collection method: clinical testing. Allele origin: germline.

PreventionGenetics, part of Exact Sciences
Classification: Likely benign for PKHD1-related condition. Last evaluated: 2022-01-25. Review status: no assertion criteria provided. Collection method: clinical testing. Allele origin: germline. Not counted in ClinVar's aggregate classification.
Comment: This variant is classified as likely benign based on ACMG/AMP sequence variant interpretation guidelines (Richards et al. 2015 PMID: 25741868, with internal and published modifications).

NM_138694.4(PKHD1):c.11595G>A (p.Leu3865=)

Gene: PKHD1 (PKHD1 ciliary IPT domain containing fibrocystin/polyductin; minus strand). Cytogenetic location: 6p12.3.
Variant type: single nucleotide variant.
Coding change: c.11595G>A on transcript NM_138694.4 (MANE Select); coding-DNA position 11595, G replaced by A.
Protein change: p.Leu3865=; no amino-acid change (leucine 3865 retained).
Molecular consequence: synonymous variant.
Genome position (GRCh38, 1-based): chr6:51,632,635, C>T on the plus strand (G>A on the coding strand, the complement: PKHD1 is on the minus strand). VCF-style: chr6-51632635-C-T. GRCh37 (hg19) VCF-style: chr6-51497433-C-T.
Other names: c.11595G>A (NM_138694.3).
Identifiers: ClinVar variation 2787648 (VCV002787648.5), dbSNP rs1206496175, ClinGen allele CA450411672.
Genomic context (GRCh38, chr6:51,632,635, plus strand): 5'-GCTTCTTTTAAGCCAACAGCACACCAGACAGCTCAGAGCCAGCCATGAGGCCACAGAGGA[C>T]AGGGAAGCAGCCAGGATGATGGTCGACTTCTCCTTCCTAGTCACAGGCAAGACAGCAAAT-3'
Protein context (NP_619639.3, residues 3855-3875): EKSTIILAAS[Leu3865=]SSVASWLALS